The following is an entry in ClinVar:

ClinVar aggregate classification (germline): Uncertain significance. Review status: criteria provided, multiple submitters, no conflicts (2 of 4 stars). 2 submissions from 2 submitters: Uncertain significance (2). Last evaluated 2025-08-20.

Conditions:
Inborn genetic diseases. Identifiers: MedGen C0950123, MeSH D030342.
Pierpont syndrome (PRPTS). Identifiers: Orphanet 487825, MedGen C1865644, MONDO:0011213, OMIM 602342.

Allele frequency attached by ClinVar (database versions not stated): gnomAD exomes 0.00001.
gnomAD v4.1: 4 of 1,612,414 alleles (0.00025%); highest among the groups gnomAD compares: Admixed American, 0.005%; no homozygotes.

Submissions (2):

Ambry Genetics
Classification: Uncertain significance for Inborn genetic diseases. Last evaluated: 2025-08-20. Review status: criteria provided, single submitter. Criteria: Ambry Variant Classification Scheme 2023. Collection method: clinical testing. Allele origin: germline.

Labcorp Genetics (formerly Invitae), Labcorp
Classification: Uncertain significance for Pierpont syndrome. Last evaluated: 2023-07-17. Review status: criteria provided, single submitter. Criteria: Invitae Variant Classification Sherloc (09022015). Collection method: clinical testing. Allele origin: germline.
Comment: This variant is present in population databases (no rsID available, gnomAD 0.009%). In summary, the available evidence is currently insufficient to determine the role of this variant in disease. Therefore, it has been classified as a Variant of Uncertain Significance. An algorithm developed to predict the effect of missense changes on protein structure and function (PolyPhen-2) suggests that this variant is likely to be tolerated. This variant has not been reported in the literature in individuals affected with TBL1XR1-related conditions. This sequence change replaces serine, which is neutral and polar, with glycine, which is neutral and non-polar, at codon 235 of the TBL1XR1 protein (p.Ser235Gly).

NM_024665.7(TBL1XR1):c.703A>G (p.Ser235Gly)

Genes: TBL1XR1 (TBL1X/Y related 1; minus strand), TBL1XR1-AS1 (TBL1XR1 antisense RNA 1; plus strand). Cytogenetic location: 3q26.32.
Variant type: single nucleotide variant.
Coding change: c.703A>G on transcript NM_024665.7 (MANE Select); coding-DNA position 703, A replaced by G.
Protein change: p.Ser235Gly; replaces serine 235 with glycine.
Molecular consequence: missense variant.
Genome position (GRCh38, 1-based): chr3:177,047,549, T>C on the plus strand (A>G on the coding strand, the complement: TBL1XR1 is on the minus strand). VCF-style: chr3-177047549-T-C. GRCh37 (hg19) VCF-style: chr3-176765337-T-C.
Other names: c.703A>G, p.Ser235Gly (NM_001321193.3, NM_001321194.3, NM_001374327.1 and 2 more transcripts); c.442A>G, p.Ser148Gly (NM_001321195.3, NM_001374330.1); c.703A>G (NM_024665.4); short protein forms S235G, S148G.
Identifiers: ClinVar variation 3021487 (VCV003021487.4), dbSNP rs1168368224, ClinGen allele CA355552360.